The following is an entry in ClinVar:

NM_003239.5(TGFB3):c.1195G>T (p.Glu399Ter)

Gene: TGFB3 (transforming growth factor beta 3; minus strand). Cytogenetic location: 14q24.3.
Variant type: single nucleotide variant.
Coding change: c.1195G>T on transcript NM_003239.5 (MANE Select); coding-DNA position 1195, G replaced by T.
Protein change: p.Glu399Ter; replaces glutamic acid 399 with a stop codon.
Molecular consequence: nonsense.
Genome position (GRCh38, 1-based): chr14:75,959,231, C>A on the plus strand (G>T on the coding strand, the complement: TGFB3 is on the minus strand). VCF-style: chr14-75959231-C-A. GRCh37 (hg19) VCF-style: chr14-76425574-C-A.
Other names: c.1195G>T, p.Glu399Ter (NM_001329939.2); short protein forms E399*.
Identifiers: ClinVar variation 449918 (VCV000449918.4), dbSNP rs1555360027, ClinGen allele CA390466754.

ClinVar aggregate classification (germline): Likely pathogenic. Review status: criteria provided, multiple submitters, no conflicts (2 of 4 stars). 2 submissions from 2 submitters: Likely pathogenic (2). Last evaluated 2024-05-03.

Conditions:
Rienhoff syndrome. Also called: LOEYS-DIETZ SYNDROME 5. Identifiers: MedGen C3810012, MONDO:0014262, OMIM 615582.

Submissions (2):

GeneDx
Classification: Likely pathogenic. Last evaluated: 2024-05-03. Review status: criteria provided, single submitter. Criteria: GeneDx Variant Classification Process June 2021. Collection method: clinical testing. Allele origin: germline. Affected: yes.
Comment: Has not been previously published as pathogenic or benign to our knowledge; Not observed at significant frequency in large population cohorts (gnomAD); Nonsense variant predicted to result in protein truncation in a gene for which loss of function is a known mechanism of disease

3billion
Classification: Likely pathogenic for Rienhoff syndrome. Last evaluated: 2022-01-03. Review status: criteria provided, single submitter. Criteria: ACMG Guidelines, 2015. Collection method: clinical testing. Allele origin: germline. Affected: yes. Observed: 1 heterozygote.
Comment: Stop-gained (nonsense): predicted to result in a loss or disruption of normal protein function through protein truncation. The predicted truncated protein may be shortened by less than 10% (PVS1_M). The variant has been reported to be associated with TGFB3 related disorder (ClinVar ID: VCV000449918). It is not observed in the gnomAD v2.1.1 dataset (PM2_M). Therefore, this variant is classified as likely pathogenic according to the recommendation of ACMG/AMP guideline.